The following is an entry in ClinVar:

NM_001372574.1(ATXN2):c.18GCA[28] (p.Gln14_Gln28dup)

Genes: ATXN2 (ataxin 2; minus strand), LOC130008791 (ATAC-STARR-seq lymphoblastoid silent region 4872; plus strand). Cytogenetic location: 12q24.12.
Variant type: Microsatellite.
Coding change: c.18GCA[28] on transcript NM_001372574.1 (MANE Select); 28 copies in a row of the 3-base unit GCA starting at c.18.
Protein change: p.Gln14_Gln28dup.
Molecular consequence: inframe insertion. On other transcripts: non-coding transcript variant (1), intron variant (2).
Genome position: GRCh38, VCF-style position (the base before the change): chr12:111,598,978. GRCh37 (hg19), VCF-style position (the base before the change): chr12:112,036,782.
Other names: c.18GCA[28], p.Gln14_Gln28dup (NM_002973.4); c.-28+558GCA[28] (NM_001310123.1); c.-65+558GCA[28] (NM_001310121.1); c.16CAG[28] (NM_001372574.1).
Identifiers: ClinVar variation 976652 (VCV000976652.4), dbSNP rs193922927, ClinGen allele CA1139662886.
Genomic context (GRCh38, chr12:111,598,978, plus strand): 5'-GGGCTTGCGGACATTGGCAGCCGCGGGCGGCGGCTGCTGCTGCTGCTGCTGCTGCTGCTG[T>TTGCTGCTGCTGCTGCTGCTGCTGCTGCTGCTGCTGCTGCTGCTGC]TGCTGCTGCTGCTGCTGCTGCTGCTGCTGCTGCTGCTGCTGGGGCTTCAGCGACATGGTG-3'

ClinVar aggregate classification (germline): Likely pathogenic; risk factor. Review status: criteria provided, multiple submitters, no conflicts (2 of 4 stars). 2 submissions from 2 submitters: Likely pathogenic (1). Last evaluated 2023-12-02.

Conditions:
Amyotrophic lateral sclerosis (ALS). Also called: Charcot disease; Lou Gehrig disease. Identifiers: Orphanet 803, MedGen C0002736, MONDO:0004976, HP:0007354.
Spinocerebellar ataxia type 2 (SCA2). Also called: CEREBELLAR DEGENERATION WITH SLOW EYE MOVEMENTS; OLIVOPONTOCEREBELLAR ATROPHY II; SPINOCEREBELLAR ATROPHY II. Identifiers: Orphanet 98756, MedGen C0752121, MONDO:0008458, OMIM 183090.

Submissions (2):

3billion
Classification: Likely pathogenic for Spinocerebellar ataxia type 2. Last evaluated: 2023-12-02. Review status: criteria provided, single submitter. Criteria: ACMG Guidelines, 2015. Collection method: clinical testing. Allele origin: germline. Affected: yes.
Comment: The number of CAG repeats in the ATXN2 gene is 28. ATXN2 CAG repeat expansions greater than 27 repeats are reported to be likely pathogenic. CAG repeats in the ATXN2 gene with 27-33 repeats reported as reduced-penetrance alleles (PMID: 29665996). Therefore, the variant is classified as likely pathogenic according to the recommendation of ACMG/AMP guideline.

UM ALS/MND Lab, University Of Malta
Classification: risk factor for Amyotrophic lateral sclerosis. Last evaluated: 2020-07-31. Review status: criteria provided, single submitter. Criteria: ACMG Guidelines, 2015. Collection method: case-control. Allele origin: unknown. Inheritance: Autosomal dominant inheritance. Affected: yes. Observed: 1 homozygote.
Comment: Elden et al. 2010 reported that intermediate-length (27-33) polyglutamine expansions in ALS are associated with increased risk for ALS, which is supportive of our classification.

Literature cited by the submitters: PubMed 29665996 (cited by 3billion).